The following is an entry in ClinVar:

ClinVar aggregate classification (germline): Conflicting classifications of pathogenicity. Review status: criteria provided, conflicting classifications (1 of 4 stars). 4 submissions from 4 submitters: Uncertain significance (1); Benign (1); Likely benign (2). Last evaluated 2026-06-28.

Conditions:
Birt-Hogg-Dube syndrome 1 (BHD1). Also called: FIBROFOLLICULOMAS WITH TRICHODISCOMAS AND ACROCHORDONS. Identifiers: Orphanet 122, MedGen CN375946, MONDO:0800445, OMIM 135150.
FLCN-related disorder. Also called: FLCN-related condition.
Hereditary cancer-predisposing syndrome. Also called: Hereditary neoplastic syndrome; Hereditary Cancer Syndrome; Tumor predisposition; Neoplastic Syndromes, Hereditary. Identifiers: Orphanet 140162, MedGen C0027672, MeSH D009386, MONDO:0015356.

Allele frequency attached by ClinVar (database versions not stated): gnomAD exomes 0.00002 and 0.00003; TOPMed 0.00003; ExAC 0.00005; gnomAD 0.00005 and 0.00006.
gnomAD v4.1: 39 of 1,614,010 alleles (0.0024%); highest among the groups gnomAD compares: Non-Finnish European, 0.0032%; no homozygotes.

Submissions (4):

PreventionGenetics, part of Exact Sciences
Classification: Likely benign for FLCN-related condition. Last evaluated: 2026-06-28. Review status: criteria provided, single submitter. Criteria: ACMG Guidelines, 2015. Collection method: clinical testing. Allele origin: germline.
Comment: This variant is classified as likely benign based on ACMG/AMP sequence variant interpretation guidelines (Richards et al. 2015 PMID: 25741868, with internal and published modifications).

Myriad Genetics, Inc.
Classification: Benign for Birt-Hogg-Dube syndrome 1. Last evaluated: 2024-10-28. Review status: criteria provided, single submitter. Criteria: Myriad Autosomal Dominant, Autosomal Recessive and X-Linked Classification Criteria (2023). Collection method: clinical testing. Allele origin: unknown.
Comment: This variant is considered benign. This variant occurs in the non-coding 3' untranslated region of the gene, and is not expected to impact protein function.

GeneDx
Classification: Likely benign. Last evaluated: 2022-04-18. Review status: criteria provided, single submitter. Criteria: GeneDx Variant Classification Process June 2021. Collection method: clinical testing. Allele origin: germline. Affected: yes.

Ambry Genetics
Classification: Uncertain significance for Hereditary cancer-predisposing syndrome. Last evaluated: 2015-01-28. Review status: criteria provided, single submitter. Criteria: Ambry Variant Classification Scheme 2023. Collection method: clinical testing. Allele origin: germline.
Comment: The c.*1C>T variant is located in the 3' untranslated region (3&rsquo; UTR) of the FLCN gene. This variant results from a C to T substitution the last translated codon. This variant was not reported in population based cohorts in the following databases: Database of Single Nucleotide Polymorphisms (dbSNP), NHLBI Exome Sequencing Project (ESP), and 1000 Genomes Project. In the ESP, this variant was not observed in 6503 samples (13006 alleles) with coverage at this position. To date, this alteration has been detected with an allele frequency of approximately 0.05% (greater than 1900 alleles tested) in our clinical cohort. This nucleotide position is well conserved in available vertebrate species. Since supporting evidence is limited at this time, the clinical significance of c.*1C>T remains unclear.

NM_144997.7(FLCN):c.*1C>T

Gene: FLCN (folliculin; minus strand). Cytogenetic location: 17p11.2.
Variant type: single nucleotide variant.
Coding change: c.*1C>T on transcript NM_144997.7 (MANE Select); 1 bases downstream of the stop codon, C replaced by T.
Molecular consequence: 3 prime UTR variant.
Genome position (GRCh38, 1-based): chr17:17,213,654, G>A on the plus strand (C>T on the coding strand, the complement: FLCN is on the minus strand). VCF-style: chr17-17213654-G-A. GRCh37 (hg19) VCF-style: chr17-17116968-G-A.
Other names: c.*1C>T (NM_001353229.2, NM_001353230.2, NM_001353231.2).
Identifiers: ClinVar variation 1196117 (VCV001196117.8), dbSNP rs759292330, ClinGen allele CA8415904.
Genomic context (GRCh38, chr17:17,213,654, plus strand): 5'-CACGGGGCTGGAGGATCCTGTGGACAGCCATCCCTGTCTTTAGGCAGGTGTGTGTGACGG[G>A]TCAGTTCCGAGACTCCGAGGCTGTGGGGCTGCGGACCGTGGACATGAGGTGTGACTTGTA-3'